The following is an entry in ClinVar:

ClinVar aggregate classification (germline): Benign/Likely benign. Review status: criteria provided, multiple submitters, no conflicts (2 of 4 stars). 3 submissions from 3 submitters: Benign (2); Likely benign (1). Last evaluated 2026-02-02.

Allele frequency attached by ClinVar (database versions not stated): gnomAD exomes 0.00128 and 0.00346; ExAC 0.00425; gnomAD 0.01288 and 0.01380; TOPMed 0.01472; ESP Exome Variant Server 0.01584; 1000 Genomes Project 30x 0.01624; 1000 Genomes Project 0.01637.
gnomAD v4.1: 3,936 of 1,613,982 alleles (0.24%); highest among the groups gnomAD compares: African/African-American, 4.6%; 94 homozygotes.

Submissions (3):

Labcorp Genetics (formerly Invitae), Labcorp
Classification: Benign. Last evaluated: 2026-02-02. Review status: criteria provided, single submitter. Criteria: Invitae Variant Classification Sherloc (09022015). Collection method: clinical testing. Allele origin: germline.

GeneDx
Classification: Likely benign. Last evaluated: 2019-04-21. Review status: criteria provided, single submitter. Criteria: GeneDx Variant Classification Process June 2021. Collection method: clinical testing. Allele origin: germline. Affected: yes.

Women's Health and Genetics/Laboratory Corporation of America, LabCorp
Classification: Benign. Last evaluated: 2017-06-08. Review status: criteria provided, single submitter. Criteria: LabCorp Variant Classification Summary - May 2015. Collection method: clinical testing. Allele origin: germline.
Comment: Variant summary: The LPL c.1018+16T>C variant involves the alteration of a non-conserved intronic nucleotide. One in silico tool predicts a benign outcome for this variant. 5/5 splice prediction tools predict no significant impact on normal splicing. This variant was found in 515/121272 control chromosomes (17 homozygotes), predominantly observed in the African subpopulation at a frequency of 0.046758 (486/10394). This frequency is about 14 times the estimated maximal expected allele frequency of a pathogenic LPL variant (0.0033541), suggesting this is likely a benign polymorphism found primarily in the populations of African origin. The variant of interest has not, to our knowledge, been reported in affected individuals via publications. Taken together, this variant is classified as benign.

Literature cited by the submitters: PubMed 25626708 (cited by Women's Health and Genetics/Laboratory Corporation of America, LabCorp).

NM_000237.3(LPL):c.1018+16T>C

Gene: LPL (lipoprotein lipase; plus strand). Cytogenetic location: 8p21.3.
Variant type: single nucleotide variant.
Coding change: c.1018+16T>C on transcript NM_000237.3 (MANE Select); 16 bases into the intron after coding-DNA position 1018, T replaced by C.
Molecular consequence: intron variant.
Genome position (GRCh38, 1-based): chr8:19,956,099, T>C. VCF-style: chr8-19956099-T-C. GRCh37 (hg19) VCF-style: chr8-19813610-T-C.
Identifiers: ClinVar variation 495740 (VCV000495740.11), dbSNP rs59184895, ClinGen allele CA4655574.